The following is an entry in ClinVar:

NM_022552.5(DNMT3A):c.833G>A (p.Gly278Asp)

Gene: DNMT3A (DNA methyltransferase 3 alpha; minus strand). Cytogenetic location: 2p23.3.
Variant type: single nucleotide variant.
Coding change: c.833G>A on transcript NM_022552.5 (MANE Select); coding-DNA position 833, G replaced by A.
Protein change: p.Gly278Asp; replaces glycine 278 with aspartic acid.
Molecular consequence: missense variant. On other transcripts: non-coding transcript variant (1).
Genome position (GRCh38, 1-based): chr2:25,248,059, C>T on the plus strand (G>A on the coding strand, the complement: DNMT3A is on the minus strand). VCF-style: chr2-25248059-C-T. GRCh37 (hg19) VCF-style: chr2-25470928-C-T.
Other names: c.377G>A, p.Gly126Asp (NM_001320893.1); c.164G>A, p.Gly55Asp (NM_001375819.1); c.266G>A, p.Gly89Asp (NM_153759.3); c.833G>A, p.Gly278Asp (NM_175629.2); short protein forms G278D, G55D, G126D, G89D.
Identifiers: ClinVar variation 4013948 (VCV004013948.2).

ClinVar aggregate classification (germline): Uncertain significance. Review status: criteria provided, multiple submitters, no conflicts (2 of 4 stars). 2 submissions from 2 submitters: Uncertain significance (2). Last evaluated 2025-06-06.

Conditions:
Tatton-Brown-Rahman overgrowth syndrome. Also called: Tatton-Brown-Rahman syndrome; Tall stature-intellectual disability-facial dysmorphism syndrome. Identifiers: Orphanet 404443, MedGen C4014545, MONDO:0014382, OMIM 615879.
Inborn genetic diseases. Identifiers: MedGen C0950123, MeSH D030342.

gnomAD v4.1: 1 of 1,612,408 alleles (0.000062%); highest among the groups gnomAD compares: Non-Finnish European, 0.000085%; no homozygotes.

Submissions (2):

Ambry Genetics
Classification: Uncertain significance for Inborn genetic diseases. Last evaluated: 2025-06-06. Review status: criteria provided, single submitter. Criteria: Ambry Variant Classification Scheme 2023. Collection method: clinical testing. Allele origin: germline.
Comment: The p.G278D variant (also known as c.833G>A), located in coding exon 6 of the DNMT3A gene, results from a G to A substitution at nucleotide position 833. The glycine at codon 278 is replaced by aspartic acid, an amino acid with similar properties. This amino acid position is conserved. In addition, this alteration is predicted to be tolerated by in silico analysis. Based on the available evidence, the clinical significance of this variant remains unclear.

Labcorp Genetics (formerly Invitae), Labcorp
Classification: Uncertain significance for Tatton-Brown-Rahman overgrowth syndrome. Last evaluated: 2025-03-30. Review status: criteria provided, single submitter. Criteria: Invitae Variant Classification Sherloc (09022015). Collection method: clinical testing. Allele origin: germline.
Comment: This sequence change replaces glycine, which is neutral and non-polar, with aspartic acid, which is acidic and polar, at codon 278 of the DNMT3A protein (p.Gly278Asp). This variant is not present in population databases (gnomAD no frequency). This variant has not been reported in the literature in individuals affected with DNMT3A-related conditions. Invitae Evidence Modeling of protein sequence and biophysical properties (such as structural, functional, and spatial information, amino acid conservation, physicochemical variation, residue mobility, and thermodynamic stability) indicates that this missense variant is not expected to disrupt DNMT3A protein function with a negative predictive value of 95%. In summary, the available evidence is currently insufficient to determine the role of this variant in disease. Therefore, it has been classified as a Variant of Uncertain Significance.